The following is an entry in ClinVar:

ClinVar aggregate classification (germline): Benign/Likely benign. Review status: criteria provided, multiple submitters, no conflicts (2 of 4 stars). 5 submissions from 3 submitters: Benign (1); Likely benign (4). Last evaluated 2025-10-17.

Conditions:
Congenital multicore myopathy with external ophthalmoplegia (CMYO1B). Also called: MULTIMINICORE DISEASE WITH EXTERNAL OPHTHALMOPLEGIA; MULTICORE MYOPATHY; Congenital myopathy 1B, autosomal recessive; Minicore myopathy; Minicore myopathy with external ophthalmoplegia. Identifiers: Orphanet 598, Orphanet 98905, MedGen C1850674, MONDO:0009712, OMIM 255320, HP:0003789.
Central core myopathy (CMYO1A). Also called: CONGENITAL MYOPATHY 1A, AUTOSOMAL DOMINANT, WITH SUSCEPTIBILITY TO MALIGNANT HYPERTHERMIA; Central core disease; Myopathy, central fibrillar. Identifiers: Orphanet 597, MedGen C5830701, MONDO:0007294, OMIM 117000.
RYR1-related disorder. Also called: RYR1-related disorders; RYR1-related condition. Identifiers: MedGen CN239331.
Malignant hyperthermia, susceptibility to, 1 (MHS1). Also called: Anesthesia related hyperthermia; Malignant hyperpyrexia; Fulminating hyperpyrexia; Pharmacogenic myopathy; RYR1-Related Malignant Hyperthermia Susceptibility; Malignant hyperthermia suceptibility 1. Identifiers: Orphanet 423, MedGen C2930980, MONDO:0007783, OMIM 145600.

Allele frequency attached by ClinVar (database versions not stated): TOPMed 0.00002; 1000 Genomes Project 30x 0.00047; 1000 Genomes Project 0.00060.
gnomAD v4.1: 24 of 1,586,328 alleles (0.0015%); highest among the groups gnomAD compares: East Asian, 0.049%; no homozygotes.

Submissions (5):

Labcorp Genetics (formerly Invitae), Labcorp
Classification: Benign for RYR1-related disorder. Last evaluated: 2025-10-17. Review status: criteria provided, single submitter. Criteria: Invitae Variant Classification Sherloc (09022015). Collection method: clinical testing. Allele origin: germline.

Blueprint Genetics
Classification: Likely benign. Last evaluated: 2020-12-30. Review status: criteria provided, single submitter. Criteria: ACMG Guidelines, 2015. Collection method: clinical testing. Allele origin: germline.

Illumina Laboratory Services, Illumina
Classification: Likely benign for Malignant hyperthermia, susceptibility to, 1. Last evaluated: 2017-04-27. Review status: criteria provided, single submitter. Criteria: ICSL Variant Classification Criteria 13 December 2019. Collection method: clinical testing. Allele origin: germline.
Comment: This variant was observed as part of a predisposition screen in an ostensibly healthy population. A literature search was performed for the gene, cDNA change, and amino acid change (where applicable). No publications were found based on this search. Allele frequency data from public databases allowed determination this variant is unlikely to cause disease. Therefore, this variant is classified as likely benign.

Illumina Laboratory Services, Illumina
Classification: Likely benign for Central core myopathy. Last evaluated: 2017-04-27. Review status: criteria provided, single submitter. Criteria: ICSL Variant Classification Criteria 13 December 2019. Collection method: clinical testing. Allele origin: germline.
Comment: the same text as in the submission from Illumina Laboratory Services, Illumina above.

Illumina Laboratory Services, Illumina
Classification: Likely benign for Congenital multicore myopathy with external ophthalmoplegia. Last evaluated: 2017-04-27. Review status: criteria provided, single submitter. Criteria: ICSL Variant Classification Criteria 13 December 2019. Collection method: clinical testing. Allele origin: germline.
Comment: the same text as in the submission from Illumina Laboratory Services, Illumina above.

NM_000540.3(RYR1):c.10259+10G>A

Gene: RYR1 (ryanodine receptor 1; plus strand). Cytogenetic location: 19q13.2.
Variant type: single nucleotide variant.
Coding change: c.10259+10G>A on transcript NM_000540.3 (MANE Select); 10 bases into the intron after coding-DNA position 10259, G replaced by A.
Molecular consequence: intron variant.
Genome position (GRCh38, 1-based): chr19:38,519,464, G>A. VCF-style: chr19-38519464-G-A. GRCh37 (hg19) VCF-style: chr19-39010104-G-A.
Other names: c.10259+10G>A (NM_001042723.2).
Identifiers: ClinVar variation 329096 (VCV000329096.16), dbSNP rs187018043, ClinGen allele CA052721.